The following is an entry in ClinVar:

NM_007363.5(NONO):c.499G>T (p.Ala167Ser)

Gene: NONO (non-POU domain containing octamer binding; plus strand). Cytogenetic location: Xq13.1.
Variant type: single nucleotide variant.
Coding change: c.499G>T on transcript NM_007363.5 (MANE Select); coding-DNA position 499, G replaced by T.
Protein change: p.Ala167Ser; replaces alanine 167 with serine.
Molecular consequence: missense variant.
Genome position (GRCh38, 1-based): chrX:71,294,377, G>T. VCF-style: chrX-71294377-G-T. GRCh37 (hg19) VCF-style: chrX-70514227-G-T.
Other names: c.499G>T, p.Ala167Ser (NM_001145408.2, NM_001145409.2); c.232G>T, p.Ala78Ser (NM_001145410.2); short protein forms A167S, A78S.
Identifiers: ClinVar variation 1311390 (VCV001311390.2), dbSNP rs2148035714, ClinGen allele CA413541352.

ClinVar aggregate classification (germline): Uncertain significance (1 of 4 stars; one submission).

Submission:

GeneDx
Classification: Uncertain significance. Last evaluated: 2020-02-03. Review status: criteria provided, single submitter. Criteria: GeneDx Variant Classification Process June 2021. Collection method: clinical testing. Allele origin: germline. Affected: yes.
Comment: Not observed in large population cohorts (Lek et al., 2016); In silico analysis supports that this missense variant has a deleterious effect on protein structure/function; Has not been previously published as pathogenic or benign to our knowledge